The following is an entry in ClinVar:

NM_022089.4(ATP13A2):c.3084-7C>A

Gene: ATP13A2 (ATPase cation transporting 13A2; minus strand). Cytogenetic location: 1p36.13.
Variant type: single nucleotide variant.
Coding change: c.3084-7C>A on transcript NM_022089.4 (MANE Select); 7 bases into the intron before coding-DNA position 3084, C replaced by A.
Molecular consequence: intron variant.
Genome position (GRCh38, 1-based): chr1:16,986,963, G>T on the plus strand (C>A on the coding strand, the complement: ATP13A2 is on the minus strand). VCF-style: chr1-16986963-G-T. GRCh37 (hg19) VCF-style: chr1-17313458-G-T.
Other names: c.2952-7C>A (NM_001141974.3); c.3069-7C>A (NM_001141973.3).
Identifiers: ClinVar variation 2170797 (VCV002170797.4), dbSNP rs768922216, ClinGen allele CA636600.

ClinVar aggregate classification (germline): Uncertain significance (1 of 4 stars; one submission).

Conditions:
Autosomal recessive spastic paraplegia type 78. Identifiers: Orphanet 513436, MedGen C5567893, MONDO:0014975, OMIM 617225.
Kufor-Rakeb syndrome (KRS). Also called: PARKINSON DISEASE 9, AUTOSOMAL RECESSIVE, JUVENILE-ONSET. Identifiers: Orphanet 306674, Orphanet 314632, MedGen C1847640, MONDO:0011706, OMIM 606693.

Allele frequency attached by ClinVar (database versions not stated): ExAC 0.00001.
gnomAD v4.1: 2 of 1,613,248 alleles (0.00012%); highest among the groups gnomAD compares: African/African-American, 0.0013%; no homozygotes.

Submission:

Labcorp Genetics (formerly Invitae), Labcorp
Classification: Uncertain significance for Kufor-Rakeb syndrome; Autosomal recessive spastic paraplegia type 78. Last evaluated: 2022-02-22. Review status: criteria provided, single submitter. Criteria: Invitae Variant Classification Sherloc (09022015). Collection method: clinical testing. Allele origin: germline.
Comment: This sequence change falls in intron 26 of the ATP13A2 gene. It does not directly change the encoded amino acid sequence of the ATP13A2 protein. This variant is present in population databases (rs768922216, gnomAD 0.003%). This variant has not been reported in the literature in individuals affected with ATP13A2-related conditions. Algorithms developed to predict the effect of sequence changes on RNA splicing suggest that this variant may create or strengthen a splice site. In summary, the available evidence is currently insufficient to determine the role of this variant in disease. Therefore, it has been classified as a Variant of Uncertain Significance.